The following is an entry in ClinVar:

ClinVar aggregate classification (germline): Uncertain significance (1 of 4 stars; one submission).

Submission:

Ambry Genetics
Classification: Uncertain significance. Last evaluated: 2026-08-16. Review status: criteria provided, single submitter. Criteria: Ambry Variant Classification Scheme 2023. Collection method: clinical testing. Allele origin: germline.
Comment: The p.A6P variant (also known as c.16G>C), located in coding exon 1 of the GALNT12 gene, results from a G to C substitution at nucleotide position 16. The alanine at codon 6 is replaced by proline, an amino acid with highly similar properties. This amino acid position is conserved. In addition, this alteration is predicted to be tolerated by in silico analysis. Based on the available evidence, the clinical significance of this variant remains unclear.

NM_024642.5(GALNT12):c.16G>C (p.Ala6Pro)

Gene: GALNT12 (polypeptide N-acetylgalactosaminyltransferase 12; plus strand). Cytogenetic location: 9q22.33.
Variant type: single nucleotide variant.
Coding change: c.16G>C on transcript NM_024642.5 (MANE Select); coding-DNA position 16, G replaced by C.
Protein change: p.Ala6Pro; replaces alanine 6 with proline.
Molecular consequence: missense variant.
Genome position (GRCh38, 1-based): chr9:98,807,714, G>C. VCF-style: chr9-98807714-G-C. GRCh37 (hg19) VCF-style: chr9-101569996-G-C.
Other names: short protein forms A6P.
Identifiers: ClinVar variation 5022153 (VCV005022153.1).